The following is an entry in ClinVar:

ClinVar aggregate classification (germline): Pathogenic/Likely pathogenic. Review status: criteria provided, multiple submitters, no conflicts (2 of 4 stars). 2 submissions from 2 submitters: Pathogenic (1); Likely pathogenic (1). Last evaluated 2025-03-18.

Conditions:
Hereditary cancer-predisposing syndrome. Also called: Neoplastic Syndromes, Hereditary; Tumor predisposition; Hereditary neoplastic syndrome; Hereditary Cancer Syndrome. Identifiers: Orphanet 140162, MedGen C0027672, MeSH D009386, MONDO:0015356.
Breast-ovarian cancer, familial, susceptibility to, 4. Identifiers: Orphanet 145, MedGen C3280345, MONDO:0013669, OMIM 614291.

Submissions (2):

Ambry Genetics
Classification: Likely pathogenic for Hereditary cancer-predisposing syndrome. Last evaluated: 2025-03-18. Review status: criteria provided, single submitter. Criteria: Ambry Variant Classification Scheme 2023. Collection method: clinical testing. Allele origin: germline.
Comment: The p.Q18* variant (also known as c.52C>T), located in coding exon 1 of the RAD51D gene, results from a C to T substitution at nucleotide position 52. This changes the amino acid from a glutamine to a stop codon within coding exon 1. The predicted stop codon occurs in the 5&rsquo; end of theRAD51D gene. Premature termination codons in the 5&rsquo; end of a gene have been reported to escape nonsense-mediated mRNAdecay and/or lead to re-initiation (Rivas et al. Science. 2015 May 8;348(6235):666-9; Lindeboom et al. Nat Genet. 2016 Oct;48(10):1112-8; Rhee et al. Sci Rep. 2017 May 10;7(1):1653). Direct evidence for this alteration is unavailable, however premature termination codons are typically deleterious in nature. This variant is considered to be rare based on population cohorts in the Genome Aggregation Database (gnomAD). Based on the majority of available evidence to date, this variant is likely to be pathogenic.

Myriad Genetics, Inc.
Classification: Pathogenic for Breast-ovarian cancer, familial, susceptibility to, 4. Last evaluated: 2024-01-03. Review status: criteria provided, single submitter. Criteria: Myriad Autosomal Dominant, Autosomal Recessive and X-Linked Classification Criteria (2023). Collection method: clinical testing. Allele origin: unknown.
Comment: This variant is considered pathogenic. This variant creates a termination codon and is predicted to result in premature protein truncation.

NM_002878.4(RAD51D):c.52C>T (p.Gln18Ter)

Genes: RAD51D (RAD51 paralog D; minus strand), RAD51L3-RFFL (RAD51L3-RFFL readthrough; minus strand). Cytogenetic location: 17q12.
Variant type: single nucleotide variant.
Coding change: c.52C>T on transcript NM_002878.4 (MANE Select); coding-DNA position 52, C replaced by T.
Protein change: p.Gln18Ter; replaces glutamine 18 with a stop codon.
Molecular consequence: nonsense. On other transcripts: non-coding transcript variant (2).
Genome position (GRCh38, 1-based): chr17:35,119,562, G>A on the plus strand (C>T on the coding strand, the complement: RAD51D is on the minus strand). VCF-style: chr17-35119562-G-A. GRCh37 (hg19) VCF-style: chr17-33446581-G-A.
Other names: c.52C>T, p.Gln18Ter (NM_001142571.2, NM_133629.3); short protein forms Q18*.
Identifiers: ClinVar variation 3148120 (VCV003148120.2), dbSNP rs2509188925, ClinGen allele CA399092396.
Genomic context (GRCh38, chr17:35,119,562, plus strand): 5'-CGGCTCCCTGGCACGCGCACACCCGGTCACCTGTCTTGATCCTGTGGCTCCTGAGAAGCT[G>A]GATCATCTCCTCGGTAAGGCCAGGGCACAGTCCGACCCTGAGCACGCCCATGTTCCCCGC-3'